The following is an entry in ClinVar:

ClinVar aggregate classification (germline): Likely benign. Review status: criteria provided, single submitter (1 of 4 stars). 2 submissions from 2 submitters: Likely benign (1). 1 of the submissions does not count toward it. Last evaluated 2025-12-23.

Conditions:
UTP4-related disorder. Also called: UTP4-related condition.

Allele frequency attached by ClinVar (database versions not stated): gnomAD exomes 0.00014; 1000 Genomes Project 0.00020; 1000 Genomes Project 30x 0.00031; ExAC 0.00041; ESP Exome Variant Server 0.00115; gnomAD 0.00145; TOPMed 0.00148.
gnomAD v4.1: 444 of 1,612,900 alleles (0.028%); highest among the groups gnomAD compares: African/African-American, 0.45%; 2 homozygotes.

Submissions (2):

Labcorp Genetics (formerly Invitae), Labcorp
Classification: Likely benign. Last evaluated: 2025-12-23. Review status: criteria provided, single submitter. Criteria: Invitae Variant Classification Sherloc (09022015). Collection method: clinical testing. Allele origin: germline.

PreventionGenetics, part of Exact Sciences
Classification: Likely benign for UTP4-related condition. Last evaluated: 2021-11-09. Review status: no assertion criteria provided. Collection method: clinical testing. Allele origin: germline. Not counted in ClinVar's aggregate classification.
Comment: This variant is classified as likely benign based on ACMG/AMP sequence variant interpretation guidelines (Richards et al. 2015 PMID: 25741868, with internal and published modifications).

NM_032830.3(UTP4):c.1907G>A (p.Arg636His)

Gene: UTP4 (UTP4 small subunit processome component). Cytogenetic location: 16q22.1.
Variant type: single nucleotide variant.
Coding change: c.1907G>A on transcript NM_032830.3 (MANE Select); coding-DNA position 1907, G replaced by A.
Protein change: p.Arg636His; replaces arginine 636 with histidine.
Molecular consequence: missense variant.
Genome position (GRCh38, 1-based): chr16:69,167,148, G>A. VCF-style: chr16-69167148-G-A. GRCh37 (hg19) VCF-style: chr16-69201051-G-A.
Other names: c.1658G>A, p.Arg553His (NM_001318391.2); c.1907G>A (NM_032830.2); short protein forms R553H, R636H.
Identifiers: ClinVar variation 2071263 (VCV002071263.6), dbSNP rs34057086, ClinGen allele CA8132587.